The following is an entry in ClinVar:

ClinVar aggregate classification (germline): Uncertain significance. Review status: criteria provided, multiple submitters, no conflicts (2 of 4 stars). 2 submissions from 2 submitters: Uncertain significance (2). Last evaluated 2024-04-15.

gnomAD v4.1: 1 of 1,614,236 alleles (0.000062%); highest among the groups gnomAD compares: African/African-American, 0.0013%; no homozygotes.

Submissions (2):

Labcorp Genetics (formerly Invitae), Labcorp
Classification: Uncertain significance. Last evaluated: 2024-04-15. Review status: criteria provided, single submitter. Criteria: Invitae Variant Classification Sherloc (09022015). Collection method: clinical testing. Allele origin: germline.
Comment: This sequence change replaces aspartic acid, which is acidic and polar, with valine, which is neutral and non-polar, at codon 1545 of the SMARCA2 protein (p.Asp1545Val). This variant is not present in population databases (gnomAD no frequency). This variant has not been reported in the literature in individuals affected with SMARCA2-related conditions. ClinVar contains an entry for this variant (Variation ID: 1699542). Advanced modeling of protein sequence and biophysical properties (such as structural, functional, and spatial information, amino acid conservation, physicochemical variation, residue mobility, and thermodynamic stability) performed at Invitae indicates that this missense variant is not expected to disrupt SMARCA2 protein function with a negative predictive value of 80%. In summary, the available evidence is currently insufficient to determine the role of this variant in disease. Therefore, it has been classified as a Variant of Uncertain Significance.

GeneDx
Classification: Uncertain significance. Last evaluated: 2022-01-27. Review status: criteria provided, single submitter. Criteria: GeneDx Variant Classification Process June 2021. Collection method: clinical testing. Allele origin: germline. Affected: yes.
Comment: Not observed at significant frequency in large population cohorts (gnomAD); In silico analysis supports that this missense variant has a deleterious effect on protein structure/function; Has not been previously published as pathogenic or benign to our knowledge

NM_003070.5(SMARCA2):c.4634A>T (p.Asp1545Val)

Gene: SMARCA2 (SWI/SNF related BAF chromatin remodeling complex subunit ATPase 2; plus strand). Cytogenetic location: 9p24.3.
Variant type: single nucleotide variant.
Coding change: c.4634A>T on transcript NM_003070.5 (MANE Select); coding-DNA position 4634, A replaced by T.
Protein change: p.Asp1545Val; replaces aspartic acid 1545 with valine.
Molecular consequence: missense variant.
Genome position (GRCh38, 1-based): chr9:2,191,305, A>T. VCF-style: chr9-2191305-A-T. GRCh37 (hg19) VCF-style: chr9-2191305-A-T.
Other names: c.4634A>T, p.Asp1545Val (NM_001289396.2); c.4406A>T, p.Asp1469Val (NM_001289397.2); c.608A>T, p.Asp203Val (NM_001289398.2); c.698A>T, p.Asp233Val (NM_001289400.2); c.4580A>T, p.Asp1527Val (NM_139045.4); c.692A>T, p.Asp231Val (NM_001289399.2); short protein forms D1469V, D1527V, D1545V, D203V, D231V, D233V.
Identifiers: ClinVar variation 1699542 (VCV001699542.7), dbSNP rs1827864772, ClinGen allele CA372792653.